The following is an entry in ClinVar:

ClinVar aggregate classification (germline): Uncertain significance (0 of 4 stars; one submission).

Submission:

Leiden Open Variation Database
Classification: Uncertain significance. Last evaluated: 2014-11-02. Review status: no assertion criteria provided. Collection method: curation. Allele origin: germline. Affected: yes.
Comment: Curator: Arleen D. Auerbach. Submitter to LOVD: Christine Rappaport.

NM_058216.3(RAD51C):c.-2C>G

Gene: RAD51C (RAD51 paralog C; plus strand). Cytogenetic location: 17q22.
Variant type: single nucleotide variant.
Coding change: c.-2C>G on transcript NM_058216.3 (MANE Select); 2 bases upstream of the start codon, C replaced by G.
Molecular consequence: 5 prime UTR variant. On other transcripts: non-coding transcript variant (2).
Genome position (GRCh38, 1-based): chr17:58,692,642, C>G. VCF-style: chr17-58692642-C-G. GRCh37 (hg19) VCF-style: chr17-56770003-C-G.
Other names: c.-2C>G (NM_002876.4, NM_058217.1).
Identifiers: ClinVar variation 929788 (VCV000929788.1), dbSNP rs876658796, ClinGen allele CA1139665721.